The following is an entry in ClinVar:

ClinVar aggregate classification (germline): Uncertain significance. Review status: criteria provided, multiple submitters, no conflicts (2 of 4 stars). 5 submissions from 5 submitters: Uncertain significance (5). Last evaluated 2025-07-10.

Conditions:
Cardiovascular phenotype. Identifiers: MedGen CN230736.
Keratosis palmoplantaris striata 2. Also called: Keratosis palmoplantaris striata II; KERATODERMA, PALMOPLANTAR, STRIATE FORM II; STRIATE PALMOPLANTAR KERATODERMA II. Identifiers: MedGen C1852127, MONDO:0013034, OMIM 612908.
Cardiomyopathy, dilated, with wooly hair, keratoderma, and tooth agenesis. Also called: Cardiomyopathy, dilated, with woolly hair, keratoderma, and tooth agenesis; Erythrokeratodermia-cardiomyopathy syndrome. Identifiers: Orphanet 476096, Orphanet 65282, MedGen C4014393, MONDO:0014355, OMIM 615821.
Arrhythmogenic cardiomyopathy with wooly hair and keratoderma. Also called: Dilated cardiomyopathy with woolly hair and keratoderma; PALMOPLANTAR KERATODERMA WITH LEFT VENTRICULAR CARDIOMYOPATHY AND WOOLLY HAIR; Carvajal syndrome; Arrhythmogenic cardiomyopathy with woolly hair and keratoderma. Identifiers: Orphanet 65282, MedGen C1854063, MONDO:0011581, OMIM 605676.
Lethal acantholytic epidermolysis bullosa (EBLA). Identifiers: Orphanet 158687, MedGen C1864826, MONDO:0012323, OMIM 609638.
Arrhythmogenic right ventricular dysplasia 8 (ARVD8). Also called: Arrhythmogenic Right Ventricular Dysplasia/Cardiomyopathy 8; ARRHYTHMOGENIC RIGHT VENTRICULAR DYSPLASIA, FAMILIAL, 8; ARRHYTHMOGENIC RIGHT VENTRICULAR CARDIOMYOPATHY 8. Identifiers: MedGen C1843896, MONDO:0011831, OMIM 607450.
Woolly hair-skin fragility syndrome (WHSF). Identifiers: Orphanet 293165, MedGen C1843292, MONDO:0957307, OMIM 620415.
Cardiomyopathy (CMYO). Also called: Cardiomyopathies. Identifiers: Orphanet 167848, MedGen C0878544, MONDO:0004994, HP:0001638. Inheritance: Various modes of inheritance.

Submissions (5):

Color Diagnostics, LLC DBA Color Health
Classification: Uncertain significance for Cardiomyopathy. Last evaluated: 2025-07-10. Review status: criteria provided, single submitter. Criteria: ACMG Guidelines, 2015. Collection method: clinical testing. Allele origin: germline.
Comment: This missense variant replaces serine with isoleucine at codon 1462 of the DSP protein. To our knowledge, functional studies have not been reported for this variant. This variant has been reported in an individual affected with idiopathic restrictive cardiomyopathy (PMID: 27662471, 28831623). This variant has not been identified in the general population by the Genome Aggregation Database (gnomAD). The available evidence is insufficient to determine the role of this variant in disease conclusively. Therefore, this variant is classified as a Variant of Uncertain Significance.

Labcorp Genetics (formerly Invitae), Labcorp
Classification: Uncertain significance for Arrhythmogenic cardiomyopathy with wooly hair and keratoderma; Arrhythmogenic right ventricular dysplasia 8. Last evaluated: 2024-12-30. Review status: criteria provided, single submitter. Criteria: Invitae Variant Classification Sherloc (09022015). Collection method: clinical testing. Allele origin: germline.
Comment: This sequence change replaces serine, which is neutral and polar, with isoleucine, which is neutral and non-polar, at codon 1462 of the DSP protein (p.Ser1462Ile). This variant is present in population databases (rs730880090, gnomAD 0.004%). This missense change has been observed in individual(s) with restrictive cardiomyopathy (PMID: 27662471). ClinVar contains an entry for this variant (Variation ID: 180341). An algorithm developed to predict the effect of missense changes on protein structure and function (PolyPhen-2) suggests that this variant is likely to be disruptive. In summary, the available evidence is currently insufficient to determine the role of this variant in disease. Therefore, it has been classified as a Variant of Uncertain Significance.

Ambry Genetics
Classification: Uncertain significance for Cardiovascular phenotype. Last evaluated: 2023-07-14. Review status: criteria provided, single submitter. Criteria: Ambry Variant Classification Scheme 2023. Collection method: clinical testing. Allele origin: germline.
Comment: The c.4385_4386delGCinsTT variant (also known as p.S1462I), located in coding exon 23 of the DSP gene, results from an in-frame deletion of GC and insertion of TT at nucleotide positions 4385 to 4386. This results in the substitution of the serine residue for an isoleucine residue at codon 1462, an amino acid with dissimilar properties. Based on data from gnomAD, this allele has an overall frequency of 0.0036%% (9/251138) total alleles studied. The highest observed frequency was 0.0079% (9/113462) of European (non-Finnish) alleles. This amino acid position is not well conserved in available vertebrate species. In addition, this alteration is predicted to be neutral by in silico analysis (Choi Y et al. PLoS ONE. 2012; 7(10):e46688). Since supporting evidence is limited at this time, the clinical significance of this alteration remains unclear.

Fulgent Genetics
Classification: Uncertain significance for Arrhythmogenic cardiomyopathy with wooly hair and keratoderma; Arrhythmogenic right ventricular dysplasia 8; Lethal acantholytic epidermolysis bullosa; Keratosis palmoplantaris striata 2; Cardiomyopathy, dilated, with wooly hair, keratoderma, and tooth agenesis. Last evaluated: 2021-08-20. Review status: criteria provided, single submitter. Criteria: ACMG Guidelines, 2015. Collection method: clinical testing. Allele origin: unknown.

GeneDx
Classification: Uncertain significance. Last evaluated: 2019-08-23. Review status: criteria provided, single submitter. Criteria: GeneDx Variant Classification Process June 2021. Collection method: clinical testing. Allele origin: germline. Affected: yes.
Comment: Although this indel variant has not been published to our knowledge, a single nucleotide substitution (c.4385G>T) causing the same S1462I missense change has been reported in a pediatric patient with restrictive cardiomyopathy, arrhythmia and myopathy in published literature (Kostareva et al., 2016); however, additional variants in other genes were also identified and no segregation data are available; In silico analysis, which includes protein predictors and evolutionary conservation, supports that this variant does not alter protein structure/function; This variant is associated with the following publications: (PMID: 28831623, 27662471)

Literature cited by the submitters: PubMed 27662471 (cited by 3 submitters); PubMed 28831623 (cited by Color Diagnostics, LLC DBA Color Health).

NM_004415.4(DSP):c.4385_4386delinsTT (p.Ser1462Ile)

Gene: DSP (desmoplakin; plus strand). Cytogenetic location: 6p24.3.
Variant type: Indel.
Coding change: c.4385_4386delinsTT on transcript NM_004415.4 (MANE Select); coding-DNA positions 4385 to 4386, GC replaced by TT.
Protein change: p.Ser1462Ile; replaces serine 1462 with isoleucine.
Molecular consequence: missense variant. On other transcripts: intron variant (2).
Genome position (GRCh38, 1-based): chr6:7,580,575-7,580,576, GC replaced by TT. VCF-style: chr6-7580575-GC-TT. GRCh37 (hg19) VCF-style: chr6-7580808-GC-TT.
Other names: c.4050+335_4050+336delinsTT (NM_001319034.2); c.3582+803_3582+804delinsTT (NM_001008844.3); c.4385_4386delinsTT (NM_004415.2); c.4385_4386delGCinsTT (LRG_423t1); short protein forms S1462I.
Identifiers: ClinVar variation 180341 (VCV000180341.16), dbSNP rs730880090, ClinGen allele CA004464.